The following is an entry in ClinVar:

NM_001082486.2(ACD):c.1009C>A (p.Pro337Thr)

Gene: ACD (ACD shelterin complex subunit and telomerase recruitment factor; minus strand). Cytogenetic location: 16q22.1.
Variant type: single nucleotide variant.
Coding change: c.1009C>A on transcript NM_001082486.2 (MANE Select); coding-DNA position 1009, C replaced by A.
Protein change: p.Pro337Thr; replaces proline 337 with threonine.
Molecular consequence: missense variant.
Genome position (GRCh38, 1-based): chr16:67,658,183, G>T on the plus strand (C>A on the coding strand, the complement: ACD is on the minus strand). VCF-style: chr16-67658183-G-T. GRCh37 (hg19) VCF-style: chr16-67692086-G-T.
Other names: c.922C>A, p.Pro308Thr (NM_001410884.1); c.1000C>A, p.Pro334Thr (NM_022914.3); short protein forms P337T, P308T, P334T.
Identifiers: ClinVar variation 1764413 (VCV001764413.2), dbSNP rs2543599039, ClinGen allele CA396352510.

ClinVar aggregate classification (germline): Uncertain significance (1 of 4 stars; one submission).

Conditions:
Inborn genetic diseases. Identifiers: MedGen C0950123, MeSH D030342.

Submission:

Ambry Genetics
Classification: Uncertain significance for Inborn genetic diseases. Last evaluated: 2021-12-20. Review status: criteria provided, single submitter. Criteria: Ambry Variant Classification Scheme 2023. Collection method: clinical testing. Allele origin: germline.
Comment: The p.P423T variant (also known as c.1267C>A), located in coding exon 10 of the ACD gene, results from a C to A substitution at nucleotide position 1267. The proline at codon 423 is replaced by threonine, an amino acid with highly similar properties. This amino acid position is conserved. In addition, this alteration is predicted to be tolerated by in silico analysis. Since supporting evidence is limited at this time, the clinical significance of this alteration remains unclear.